The following is an entry in ClinVar:

NM_014365.3(HSPB8):c.50G>T (p.Arg17Leu)

Gene: HSPB8 (heat shock protein family B (small) member 8; plus strand). Cytogenetic location: 12q24.23.
Variant type: single nucleotide variant.
Coding change: c.50G>T on transcript NM_014365.3 (MANE Select); coding-DNA position 50, G replaced by T.
Protein change: p.Arg17Leu; replaces arginine 17 with leucine.
Molecular consequence: missense variant.
Genome position (GRCh38, 1-based): chr12:119,179,362, G>T. VCF-style: chr12-119179362-G-T. GRCh37 (hg19) VCF-style: chr12-119617167-G-T.
Other names: short protein forms R17L.
Identifiers: ClinVar variation 4768725 (VCV004768725.1).
Genomic context (GRCh38, chr12:119,179,362, plus strand): 5'-GAGCAGCCACCATGGCTGACGGTCAGATGCCCTTCTCCTGCCACTACCCAAGCCGCCTGC[G>T]CCGAGACCCCTTCCGGGACTCTCCCCTCTCCTCTCGCCTGCTGGATGATGGCTTTGGCAT-3'
Protein context (NP_055180.1, residues 7-27): PFSCHYPSRL[Arg17Leu]RDPFRDSPLS

ClinVar aggregate classification (germline): Uncertain significance (1 of 4 stars; one submission).

Conditions:
Charcot-Marie-Tooth disease axonal type 2L. Also called: Charcot-Marie-Tooth Neuropathy Type 2L; CHARCOT-MARIE-TOOTH DISEASE, AXONAL, AUTOSOMAL DOMINANT, TYPE 2L; CHARCOT-MARIE-TOOTH NEUROPATHY, AXONAL, TYPE 2L. Identifiers: Orphanet 99945, MedGen C1837552, MONDO:0012096, OMIM 608673.

gnomAD v4.1: 3 of 1,614,102 alleles (0.00019%); highest among the groups gnomAD compares: Non-Finnish European, 0.00017%; no homozygotes.

Submission:

Labcorp Genetics (formerly Invitae), Labcorp
Classification: Uncertain significance for Charcot-Marie-Tooth disease axonal type 2L. Last evaluated: 2026-01-19. Review status: criteria provided, single submitter. Criteria: Invitae Variant Classification Sherloc (09022015). Collection method: clinical testing. Allele origin: germline.
Comment: This sequence change replaces arginine, which is basic and polar, with leucine, which is neutral and non-polar, at codon 17 of the HSPB8 protein (p.Arg17Leu). This variant is not present in population databases (gnomAD no frequency). This variant has not been reported in the literature in individuals affected with HSPB8-related conditions. An algorithm developed to predict the effect of missense changes on protein structure and function (PolyPhen-2) suggests that this variant is likely to be disruptive. In summary, the available evidence is currently insufficient to determine the role of this variant in disease. Therefore, it has been classified as a Variant of Uncertain Significance.